The following is an entry in ClinVar:

ClinVar aggregate classification (germline): Likely pathogenic. Review status: criteria provided, multiple submitters, no conflicts (2 of 4 stars). 2 submissions from 2 submitters: Likely pathogenic (2). Last evaluated 2024-01-25.

Conditions:
Ataxia-telangiectasia syndrome (AT). Also called: AT, COMPLEMENTATION GROUP C; Ataxia telangiectasia (A-T); Cerebello-oculocutaneous telangiectasia; Immunodeficiency with ataxia telangiectasia; LOUIS-BAR SYNDROME; ATAXIA-TELANGIECTASIA, COMPLEMENTATION GROUP A. Identifiers: Orphanet 100, MedGen C0004135, MONDO:0008840, OMIM 208900.
Familial cancer of breast. Also called: hereditary breast carcinoma; BREAST CANCER, FAMILIAL; Hereditary breast cancer. Identifiers: Orphanet 227535, MedGen C0346153, MONDO:0016419, OMIM 114480. Disease mechanism: loss of function.

Submissions (2):

Myriad Genetics, Inc.
Classification: Likely pathogenic for Familial cancer of breast. Last evaluated: 2024-01-25. Review status: criteria provided, single submitter. Criteria: Myriad Autosomal Dominant, Autosomal Recessive and X-Linked Classification Criteria (2023). Collection method: clinical testing. Allele origin: unknown.
Comment: This variant is considered likely pathogenic. This variant occurs within a consensus splice junction and is predicted to result in abnormal mRNA splicing of either an out-of-frame exon or an in-frame exon necessary for protein stability and/or normal function.

Diagnostics Services (NGS), CSIR - Centre For Cellular And Molecular Biology
Classification: Likely pathogenic for Ataxia-telangiectasia syndrome. Last evaluated: 2024-01-05. Review status: criteria provided, single submitter. Criteria: ACMG Guidelines, 2015. Collection method: clinical testing. Allele origin: unknown. Affected: yes. Observed: 1 variant allele, 1 heterozygote.
Comment: The c.5320-2A>G variant is not present in 1000 Genomes, EVS, ExAC, gnomAD, Indian Exome Database or our in-house exome database. This variant has neither been published in literature with ATM-related conditions nor reported to the clinical databases like Human HGMD, ClinVar or OMIM, in any affected individuals. Algorithms developed to predict the effect of sequence changes on RNA splicing suggest that this variant can disrupt the consensus splice site. In-silico pathogenicity prediction programs like MutationTaster2, CADD, Varsome, Franklin, HSF3.1 etc predicted this variant to be likely deleterious by affecting mRNA splicing however these predictions were not confirmed by published translational studies.

NM_000051.4(ATM):c.5320-2A>G

Gene: ATM (ATM serine/threonine kinase; plus strand). Cytogenetic location: 11q22.3.
Variant type: single nucleotide variant.
Coding change: c.5320-2A>G on transcript NM_000051.4 (MANE Select); the canonical splice acceptor site of the intron before coding-DNA position 5320, A replaced by G.
Molecular consequence: splice acceptor variant.
Genome position (GRCh38, 1-based): chr11:108,302,851, A>G. VCF-style: chr11-108302851-A-G. GRCh37 (hg19) VCF-style: chr11-108173578-A-G.
Other names: c.5320-2A>G (NM_001351834.2).
Identifiers: ClinVar variation 2683761 (VCV002683761.2), dbSNP rs1400417135, ClinGen allele CA382542975.
Genomic context (GRCh38, chr11:108,302,851, plus strand): 5'-GTAGGAAAGGTACAATGATTTCCACTTCTCTTATTTACATTTTCTAATCCCTTTCTTTCT[A>G]GTTTTTAGAAGTACCCAGATTTGACAAAGAAAACCCTTTTGAAGGCCTGGATGATATAAA-3'